The following is an entry in ClinVar:

NM_000138.5(FBN1):c.8063C>G (p.Ser2688Cys)

Gene: FBN1 (fibrillin 1; minus strand). Cytogenetic location: 15q21.1.
Variant type: single nucleotide variant.
Coding change: c.8063C>G on transcript NM_000138.5 (MANE Select); coding-DNA position 8063, C replaced by G.
Protein change: p.Ser2688Cys; replaces serine 2688 with cysteine.
Molecular consequence: missense variant.
Genome position (GRCh38, 1-based): chr15:48,412,732, G>C on the plus strand (C>G on the coding strand, the complement: FBN1 is on the minus strand). VCF-style: chr15-48412732-G-C. GRCh37 (hg19) VCF-style: chr15-48704929-G-C.
Other names: c.8063C>G, p.Ser2688Cys (NM_001406716.1); short protein forms S2688C.
Identifiers: ClinVar variation 3761040 (VCV003761040.2).

ClinVar aggregate classification (germline): Uncertain significance (1 of 4 stars; one submission).

Conditions:
Marfan syndrome (MFS). Also called: MARFAN SYNDROME, TYPE I; Marfan syndrome type 1; Marfan's syndrome; Marfan syndrome, classic; FBN1-Related Marfan Syndrome. Identifiers: Orphanet 284963, Orphanet 558, MedGen C0024796, MONDO:0007947, OMIM 154700.
Familial thoracic aortic aneurysm and aortic dissection (TAAD). Also called: Thoracic aortic aneurysms and dissections. Identifiers: Orphanet 91387, MedGen C4707243, MONDO:0019625.

Submission:

Labcorp Genetics (formerly Invitae), Labcorp
Classification: Uncertain significance for Marfan syndrome; Familial thoracic aortic aneurysm and aortic dissection. Last evaluated: 2024-11-23. Review status: criteria provided, single submitter. Criteria: Invitae Variant Classification Sherloc (09022015). Collection method: clinical testing. Allele origin: germline.
Comment: This sequence change replaces serine, which is neutral and polar, with cysteine, which is neutral and slightly polar, at codon 2688 of the FBN1 protein (p.Ser2688Cys). This variant is not present in population databases (gnomAD no frequency). This missense change has been observed in individual(s) with Marfan syndrome (PMID: 29848614; internal data). Invitae Evidence Modeling of protein sequence and biophysical properties (such as structural, functional, and spatial information, amino acid conservation, physicochemical variation, residue mobility, and thermodynamic stability) has been performed for this missense variant. However, the output from this modeling did not meet the statistical confidence thresholds required to predict the impact of this variant on FBN1 protein function. In summary, the available evidence is currently insufficient to determine the role of this variant in disease. Therefore, it has been classified as a Variant of Uncertain Significance.

Literature cited by the submitters: PubMed 29848614.